The following is an entry in ClinVar:

ClinVar aggregate classification (germline): Likely benign (1 of 4 stars; one submission).

Conditions:
Familial hypercholesterolemia. Also called: Familial hypercholesterolaemia. Identifiers: MedGen C0020445, MONDO:0005439.

gnomAD v4.1: 1 of 1,557,008 alleles (0.000064%); highest among the groups gnomAD compares: African/African-American, 0.0014%; no homozygotes.

Submission:

GENinCode PLC
Classification: Likely benign for Familial hypercholesterolemia. Last evaluated: 2025-01-09. Review status: criteria provided, single submitter. Criteria: ACMG Guidelines, 2015. Collection method: clinical testing. Allele origin: germline.
Comment: This is a synonymous (silent) variant that is not predicted to impact splicing and occurs at a nucleotide which is not highly conserved. This variant has been classified as Likely Benign (BP4, BP7).

NM_174936.4(PCSK9):c.46C>T (p.Leu16=)

Gene: PCSK9 (proprotein convertase subtilisin/kexin type 9; plus strand). Cytogenetic location: 1p32.3.
Variant type: single nucleotide variant.
Coding change: c.46C>T on transcript NM_174936.4 (MANE Select); coding-DNA position 46, C replaced by T.
Protein change: p.Leu16=; no amino-acid change (leucine 16 retained).
Molecular consequence: synonymous variant. On other transcripts: 5 prime UTR variant (1), non-coding transcript variant (8).
Genome position (GRCh38, 1-based): chr1:55,039,883, C>T. VCF-style: chr1-55039883-C-T. GRCh37 (hg19) VCF-style: chr1-55505556-C-T.
Other names: c.46C>T, p.Leu16= (NM_001407240.1, NM_001407241.1, NM_001407242.1 and 4 more transcripts); c.-689C>T (NM_001407246.1).
Identifiers: ClinVar variation 3572865 (VCV003572865.1).